The following is an entry in ClinVar:

NM_173628.4(DNAH17):c.1626G>A (p.Ala542=)

Gene: DNAH17 (dynein axonemal heavy chain 17; minus strand). Cytogenetic location: 17q25.3.
Variant type: single nucleotide variant.
Coding change: c.1626G>A on transcript NM_173628.4 (MANE Select); coding-DNA position 1626, G replaced by A.
Protein change: p.Ala542=; no amino-acid change (alanine 542 retained).
Molecular consequence: synonymous variant.
Genome position (GRCh38, 1-based): chr17:78,561,924, C>T on the plus strand (G>A on the coding strand, the complement: DNAH17 is on the minus strand). VCF-style: chr17-78561924-C-T. GRCh37 (hg19) VCF-style: chr17-76558006-C-T.
Identifiers: ClinVar variation 3051965 (VCV003051965.2), dbSNP rs755030354, ClinGen allele CA8805070.

ClinVar aggregate classification (germline): Likely benign (0 of 4 stars; one submission).

Conditions:
DNAH17-related disorder. Also called: DNAH17-related condition.

Allele frequency attached by ClinVar (database versions not stated): gnomAD 0.00009; gnomAD exomes 0.00009; TOPMed 0.00015; ExAC 0.00030.
gnomAD v4.1: 140 of 1,613,196 alleles (0.0087%); highest among the groups gnomAD compares: Admixed American, 0.16%; no homozygotes.

Submission:

PreventionGenetics, part of Exact Sciences
Classification: Likely benign for DNAH17-related condition. Last evaluated: 2019-02-26. Review status: no assertion criteria provided. Collection method: clinical testing. Allele origin: germline.
Comment: This variant is classified as likely benign based on ACMG/AMP sequence variant interpretation guidelines (Richards et al. 2015 PMID: 25741868, with internal and published modifications).